The following is an entry in ClinVar:

NM_003924.4(PHOX2B):c.611C>T (p.Pro204Leu)

Gene: PHOX2B (paired like homeobox 2B; minus strand). Cytogenetic location: 4p13.
Variant type: single nucleotide variant.
Coding change: c.611C>T on transcript NM_003924.4 (MANE Select); coding-DNA position 611, C replaced by T.
Protein change: p.Pro204Leu; replaces proline 204 with leucine.
Molecular consequence: missense variant.
Genome position (GRCh38, 1-based): chr4:41,746,141, G>A on the plus strand (C>T on the coding strand, the complement: PHOX2B is on the minus strand). VCF-style: chr4-41746141-G-A. GRCh37 (hg19) VCF-style: chr4-41748158-G-A.
Other names: short protein forms P204L.
Identifiers: ClinVar variation 3417936 (VCV003417936.1).
Genomic context (GRCh38, chr4:41,746,141, plus strand): 5'-GGAGCTCCAGCCGGGCTGGGCCCGCCGCCGCCGCCTCCATTCGCCCCGCAGCTGGGGGTG[G>A]GGTTGGGATTGGGACCTGGGCCCCCAGTGCTGTCCGGGTCAGTGCTCTTGGCCTCTTTGC-3'
Protein context (NP_003915.2, residues 194-214): STGGPGPNPN[Pro204Leu]TPSCGANGGG

ClinVar aggregate classification (germline): Uncertain significance (1 of 4 stars; one submission).

Conditions:
Hereditary cancer-predisposing syndrome. Also called: Neoplastic Syndromes, Hereditary; Tumor predisposition; Hereditary Cancer Syndrome; Hereditary neoplastic syndrome. Identifiers: Orphanet 140162, MedGen C0027672, MeSH D009386, MONDO:0015356.

Submission:

Ambry Genetics
Classification: Uncertain significance for Hereditary cancer-predisposing syndrome. Last evaluated: 2024-07-26. Review status: criteria provided, single submitter. Criteria: Ambry Variant Classification Scheme 2023. Collection method: clinical testing. Allele origin: germline.
Comment: The p.P204L variant (also known as c.611C>T), located in coding exon 3 of the PHOX2B gene, results from a C to T substitution at nucleotide position 611. The proline at codon 204 is replaced by leucine, an amino acid with similar properties. This amino acid position is conserved. In addition, this alteration is predicted to be tolerated by in silico analysis. Based on the available evidence, the clinical significance of this variant remains unclear.